The following is an entry in ClinVar:

NM_000051.4(ATM):c.8277C>T (p.Pro2759=)

Genes: ATM (ATM serine/threonine kinase; plus strand), C11orf65 (chromosome 11 open reading frame 65; minus strand). Cytogenetic location: 11q22.3.
Variant type: single nucleotide variant.
Coding change: c.8277C>T on transcript NM_000051.4 (MANE Select); coding-DNA position 8277, C replaced by T.
Protein change: p.Pro2759=; no amino-acid change (proline 2759 retained).
Molecular consequence: synonymous variant. On other transcripts: intron variant (2).
Genome position (GRCh38, 1-based): chr11:108,343,230, C>T. VCF-style: chr11-108343230-C-T. GRCh37 (hg19) VCF-style: chr11-108213957-C-T.
Other names: c.8277C>T, p.Pro2759= (NM_001351834.2); c.641-34159G>A (NM_001330368.2); c.695-7938G>A (NM_001351110.2).
Identifiers: ClinVar variation 236786 (VCV000236786.18), dbSNP rs878853548, ClinGen allele CA10582860.
Genomic context (GRCh38, chr11:108,343,230, plus strand): 5'-ATGCTCTTTAATGGCCTTTTAAAATTAAAAGGTATTTAATCTGTAACTCCAGGTGGTTCC[C>T]CTCTCTCAGCGAAGTGGTGTTCTTGAATGGTGCACAGGAACTGTCCCCATTGGTGAATTT-3'
Protein context (NP_000042.3, residues 2749-2769): KLTICTYKVV[Pro2759=]LSQRSGVLEW

ClinVar aggregate classification (germline): Benign/Likely benign. Review status: criteria provided, multiple submitters, no conflicts (2 of 4 stars). 4 submissions from 4 submitters: Benign (1); Likely benign (3). Last evaluated 2025-06-03.

Conditions:
Hereditary cancer-predisposing syndrome. Also called: Neoplastic Syndromes, Hereditary; Hereditary neoplastic syndrome; Tumor predisposition; Hereditary Cancer Syndrome. Identifiers: Orphanet 140162, MedGen C0027672, MeSH D009386, MONDO:0015356.
Familial cancer of breast. Also called: hereditary breast carcinoma; Hereditary breast cancer; BREAST CANCER, FAMILIAL. Identifiers: Orphanet 227535, MedGen C0346153, MONDO:0016419, OMIM 114480. Disease mechanism: loss of function.
Ataxia-telangiectasia syndrome (AT). Also called: Ataxia telangiectasia (A-T); Cerebello-oculocutaneous telangiectasia; Immunodeficiency with ataxia telangiectasia; LOUIS-BAR SYNDROME; AT, COMPLEMENTATION GROUP C; ATAXIA-TELANGIECTASIA, FRESNO VARIANT. Identifiers: Orphanet 100, MedGen C0004135, MONDO:0008840, OMIM 208900.

Submissions (4):

Labcorp Genetics (formerly Invitae), Labcorp
Classification: Likely benign for Ataxia-telangiectasia syndrome. Last evaluated: 2025-06-03. Review status: criteria provided, single submitter. Criteria: Invitae Variant Classification Sherloc (09022015). Collection method: clinical testing. Allele origin: germline.

Myriad Genetics, Inc.
Classification: Benign for Familial cancer of breast. Last evaluated: 2024-06-19. Review status: criteria provided, single submitter. Criteria: Myriad Autosomal Dominant, Autosomal Recessive and X-Linked Classification Criteria (2023). Collection method: clinical testing. Allele origin: unknown.
Comment: This variant is considered benign. This variant is a silent/synonymous amino acid change and it is not expected to impact splicing.

Color Diagnostics, LLC DBA Color Health
Classification: Likely benign for Hereditary cancer-predisposing syndrome. Last evaluated: 2022-03-02. Review status: criteria provided, single submitter. Criteria: ACMG Guidelines, 2015. Collection method: clinical testing. Allele origin: germline.

Ambry Genetics
Classification: Likely benign for Hereditary cancer-predisposing syndrome. Last evaluated: 2018-09-06. Review status: criteria provided, single submitter. Criteria: Ambry Variant Classification Scheme 2023. Collection method: clinical testing. Allele origin: germline.